The following is an entry in ClinVar:

ClinVar aggregate classification (germline): Conflicting classifications of pathogenicity. Review status: criteria provided, conflicting classifications (1 of 4 stars). 16 submissions from 16 submitters: Uncertain significance (6); Likely benign (5). 5 of the submissions do not count toward it. Last evaluated 2026-02-02.

Conditions:
FAS-related disorder. Also called: FAS-related condition.
Autoimmune lymphoproliferative syndrome type 1. Also called: AUTOIMMUNE LYMPHOPROLIFERATIVE SYNDROME, TYPE I, AUTOSOMAL DOMINANT. Identifiers: Orphanet 3261, MedGen C2717884, MONDO:0011158, OMIM 601859.

Allele frequency attached by ClinVar (database versions not stated): TOPMed 0.00142; gnomAD exomes 0.00154 and 0.00176; ExAC 0.00180; ESP Exome Variant Server 0.00246; 1000 Genomes Project 0.00060; 1000 Genomes Project 30x 0.00062; gnomAD 0.00138 and 0.00140.

Submissions (16):

Labcorp Genetics (formerly Invitae), Labcorp
Classification: Likely benign for Autoimmune lymphoproliferative syndrome. Last evaluated: 2026-02-02. Review status: criteria provided, single submitter. Criteria: Invitae Variant Classification Sherloc (09022015). Collection method: clinical testing. Allele origin: germline.

CeGaT Center for Human Genetics Tuebingen
Classification: Likely benign. Last evaluated: 2025-09-01. Review status: criteria provided, single submitter. Criteria: CeGaT Center For Human Genetics Tuebingen Variant Classification Criteria Version 2. Collection method: clinical testing. Allele origin: germline. Affected: yes. Observed: 7 variant alleles.
Comment: FAS: BP4, BS1

GeneDx
Classification: Uncertain significance. Last evaluated: 2024-12-31. Review status: criteria provided, single submitter. Criteria: GeneDx Variant Classification Process June 2021. Collection method: clinical testing. Allele origin: germline. Affected: yes.
Comment: Reported previously in association with autoimmune lymphoproliferative syndrome type 1A (PMID: 16537120, 19214977, 32441320, 33838017, 36844186); Functional studies have shown that E194K decreases the function of the FAS protein (PMID: 24043286); In silico analysis indicates that this missense variant does not alter protein structure/function; This variant is associated with the following publications: (PMID: 27153395, 27884173, 24728327, 19214977, 31172514, 31939527, 36268024, 32441320, 33838017, 36844186, 35741048, 16537120, 24043286)

Blueprint Genetics
Classification: Likely benign. Last evaluated: 2024-11-20. Review status: criteria provided, single submitter. Criteria: ACMG Guidelines, 2015. Collection method: clinical testing. Allele origin: germline.

Mayo Clinic Laboratories, Mayo Clinic
Classification: Uncertain significance. Last evaluated: 2024-05-15. Review status: criteria provided, single submitter. Criteria: ACMG Guidelines, 2015. Collection method: clinical testing. Allele origin: germline. Observed: 2 variant alleles.
Comment: BS1, BS2, PS4_moderate

Women's Health and Genetics/Laboratory Corporation of America, LabCorp
Classification: Likely benign. Last evaluated: 2024-04-23. Review status: criteria provided, single submitter. Criteria: LabCorp Variant Classification Summary - May 2015. Collection method: clinical testing. Allele origin: germline.

Center for Genomics, Ann and Robert H. Lurie Children's Hospital of Chicago
Classification: Uncertain significance for Autoimmune lymphoproliferative syndrome type 1. Last evaluated: 2021-03-30. Review status: criteria provided, single submitter. Criteria: ACMG Guidelines, 2015. Collection method: clinical testing. Allele origin: germline.
Comment: FAS NM_000043.5 exon7 p.Glu194Lys (c.580G>A): This variant has been reported in the literature in at least one individual with autoimmune lymphoproliferative syndrome (ALPS)(Campagnoli 2006 PMID:16537120, Boggio 2013 PMID:24043286). This variant is present in 0.2% (306/126586) of European alleles in the Genome Aggregation Database. This variant is present in ClinVar (Variation ID:134374). Evolutionary conservation and computational predictive tools for this variant are unclear. In vitro functional studies suggest that this variant will impact the protein (Boggio 2013 PMID:24043286). However, these studies may not accurately represent in vivo biological function. In summary, data on this variant is insufficient for disease classification. Therefore, the clinical significance of this variant is uncertain.

Revvity Omics, Revvity
Classification: Uncertain significance for Autoimmune lymphoproliferative syndrome type 1. Last evaluated: 2021-02-17. Review status: criteria provided, single submitter. Criteria: ACMG Guidelines, 2015. Collection method: clinical testing. Allele origin: germline.

Baylor Genetics
Classification: Uncertain significance for Autoimmune lymphoproliferative syndrome type 1. Last evaluated: 2019-09-06. Review status: criteria provided, single submitter. Criteria: ACMG Guidelines, 2015. Collection method: clinical testing. Allele origin: unknown. Affected: yes.
Comment: This variant was determined to be of uncertain significance according to ACMG Guidelines, 2015 [PMID:25741868].

Genetic Services Laboratory, University of Chicago
Classification: Uncertain significance. Last evaluated: 2017-08-14. Review status: criteria provided, single submitter. Criteria: ACMG Guidelines, 2015. Collection method: clinical testing. Allele origin: germline. Affected: no.

Illumina Laboratory Services, Illumina
Classification: Likely benign for Autoimmune lymphoproliferative syndrome type 1. Last evaluated: 2017-04-27. Review status: criteria provided, single submitter. Criteria: ICSL Variant Classification Criteria 13 December 2019. Collection method: clinical testing. Allele origin: germline.
Comment: This variant was observed as part of a predisposition screen in an ostensibly healthy population. A literature search was performed for the gene, cDNA change, and amino acid change (where applicable). Publications were found based on this search. The evidence from the literature, in combination with allele frequency data from public databases where available, was sufficient to determine this variant is unlikely to cause disease. Therefore, this variant is classified as likely benign.

PreventionGenetics, part of Exact Sciences
Classification: Likely benign for FAS-related condition. Last evaluated: 2020-06-26. Review status: no assertion criteria provided. Collection method: clinical testing. Allele origin: germline. Not counted in ClinVar's aggregate classification.
Comment: This variant is classified as likely benign based on ACMG/AMP sequence variant interpretation guidelines (Richards et al. 2015 PMID: 25741868, with internal and published modifications).

ITMI
No classification provided. Condition: AllHighlyPenetrant. Last evaluated: 2013-09-19. Review status: no classification provided. Collection method: reference population. Allele origin: germline. Not counted in ClinVar's aggregate classification.
Comment: Please see associated publication for description of ethnicities

Clinical Genetics DNA and cytogenetics Diagnostics Lab, Erasmus MC, Erasmus Medical Center
Classification: Likely benign. Review status: no assertion criteria provided. Collection method: clinical testing. Allele origin: germline. Affected: yes. Study: VKGL Data-share Consensus. Not counted in ClinVar's aggregate classification.

Genome Diagnostics Laboratory, Amsterdam University Medical Center
Classification: Likely benign. Review status: no assertion criteria provided. Collection method: clinical testing. Allele origin: germline. Affected: yes. Study: VKGL Data-share Consensus. Not counted in ClinVar's aggregate classification.

Genome Diagnostics Laboratory, University Medical Center Utrecht
Classification: Likely benign. Review status: no assertion criteria provided. Collection method: clinical testing. Allele origin: germline. Affected: yes. Study: VKGL Data-share Consensus. Not counted in ClinVar's aggregate classification.

Literature cited by the submitters: PubMed 16537120 (cited by Mayo Clinic Laboratories, Mayo Clinic and Illumina Laboratory Services, Illumina); PubMed 24043286 (cited by Mayo Clinic Laboratories, Mayo Clinic); PubMed 27153395 (cited by Mayo Clinic Laboratories, Mayo Clinic); PubMed 27884173 (cited by Mayo Clinic Laboratories, Mayo Clinic); PubMed 31172514 (cited by Mayo Clinic Laboratories, Mayo Clinic); PubMed 32441320 (cited by Mayo Clinic Laboratories, Mayo Clinic); PubMed 33838017 (cited by Mayo Clinic Laboratories, Mayo Clinic); PubMed 35741048 (cited by Mayo Clinic Laboratories, Mayo Clinic); PubMed 24728327 (cited by ITMI).

NM_000043.6(FAS):c.580G>A (p.Glu194Lys)

Gene: FAS (Fas cell surface death receptor; plus strand). Cytogenetic location: 10q23.31.
Variant type: single nucleotide variant.
Coding change: c.580G>A on transcript NM_000043.6 (MANE Select); coding-DNA position 580, G replaced by A.
Protein change: p.Glu194Lys; replaces glutamic acid 194 with lysine.
Molecular consequence: missense variant. On other transcripts: non-coding transcript variant (6), intron variant (1).
Genome position (GRCh38, 1-based): chr10:89,012,010, G>A. VCF-style: chr10-89012010-G-A. GRCh37 (hg19) VCF-style: chr10-90771767-G-A.
Other names: p.Glu194Lys; c.517G>A, p.Glu173Lys (NM_152871.4); c.580G>A, p.Glu194Lys (NM_152872.4); c.568+1195G>A (NM_001320619.2); short protein forms E194K, E173K.
Identifiers: ClinVar variation 134374 (VCV000134374.56), dbSNP rs56006128, ClinGen allele CA159637.
Genomic context (GRCh38, chr10:89,012,010, plus strand): 5'-ATTCTACAAGGCTGAGACCTGAGTTGATAAAATTTCTTTGTTCTTTCAGTGAAGAGAAAG[G>A]AAGTACAGAAAACATGCAGAAAGCACAGAAAGGAAAACCAAGGTTCTCATGAATCTCCAA-3'
Protein context (NP_000034.1, residues 184-204): IPLIVWVKRK[Glu194Lys]VQKTCRKHRK